The following is an entry in ClinVar:

NM_198578.4(LRRK2):c.567G>C (p.Glu189Asp)

Gene: LRRK2 (leucine rich repeat kinase 2; plus strand). Cytogenetic location: 12q12.
Variant type: single nucleotide variant.
Coding change: c.567G>C on transcript NM_198578.4 (MANE Select); coding-DNA position 567, G replaced by C.
Protein change: p.Glu189Asp; replaces glutamic acid 189 with aspartic acid.
Molecular consequence: missense variant.
Genome position (GRCh38, 1-based): chr12:40,238,099, G>C. VCF-style: chr12-40238099-G-C. GRCh37 (hg19) VCF-style: chr12-40631901-G-C.
Other names: short protein forms E189D.
Identifiers: ClinVar variation 3229708 (VCV003229708.1), dbSNP rs2499420607, ClinGen allele CA384404267.

ClinVar aggregate classification (germline): Uncertain significance (1 of 4 stars; one submission).

Conditions:
Inborn genetic diseases. Identifiers: MedGen C0950123, MeSH D030342.

Allele frequency attached by ClinVar (database versions not stated): gnomAD exomes below 0.00001.
gnomAD v4.1: 3 of 1,613,284 alleles (0.00019%); highest among the groups gnomAD compares: Non-Finnish European, 0.00025%; no homozygotes.

Submission:

Ambry Genetics
Classification: Uncertain significance for Inborn genetic diseases. Last evaluated: 2024-02-11. Review status: criteria provided, single submitter. Criteria: Ambry Variant Classification Scheme 2023. Collection method: clinical testing. Allele origin: germline.
Comment: The p.E189D variant (also known as c.567G>C), located in coding exon 5 of the LRRK2 gene, results from a G to C substitution at nucleotide position 567. The glutamic acid at codon 189 is replaced by aspartic acid, an amino acid with highly similar properties. This amino acid position is conserved. In addition, this alteration is predicted to be tolerated by in silico analysis. Based on the available evidence, the clinical significance of this alteration remains unclear.